The following is an entry in ClinVar:

ClinVar aggregate classification (germline): Pathogenic. Review status: criteria provided, multiple submitters, no conflicts (2 of 4 stars). 2 submissions from 2 submitters: Pathogenic (2). Last evaluated 2022-07-19.

Conditions:
CHM-related disorders.

Submissions (2):

Labcorp Genetics (formerly Invitae), Labcorp
Classification: Pathogenic. Last evaluated: 2022-07-19. Review status: criteria provided, single submitter. Criteria: Invitae Variant Classification Sherloc (09022015). Collection method: clinical testing. Allele origin: germline.
Comment: For these reasons, this variant has been classified as Pathogenic. ClinVar contains an entry for this variant (Variation ID: 1075259). This premature translational stop signal has been observed in individual(s) with choroideremia (PMID: 12203991). This variant is not present in population databases (gnomAD no frequency). This sequence change creates a premature translational stop signal (p.Ser190*) in the CHM gene. It is expected to result in an absent or disrupted protein product. Loss-of-function variants in CHM are known to be pathogenic (PMID: 9067750, 23811034).

Blueprint Genetics
Classification: Pathogenic for CHM-related disorders. Last evaluated: 2019-11-29. Review status: criteria provided, single submitter. Criteria: ACMG Guidelines, 2015. Collection method: clinical testing. Allele origin: germline. Affected: yes. Observed: 1 variant allele.

Literature cited by the submitters: PubMed 12203991 (cited by Labcorp Genetics (formerly Invitae), Labcorp); PubMed 9067750 (cited by Labcorp Genetics (formerly Invitae), Labcorp); PubMed 23811034 (cited by Labcorp Genetics (formerly Invitae), Labcorp).

NM_000390.4(CHM):c.569C>G (p.Ser190Ter)

Gene: CHM (CHM Rab escort protein; minus strand). Cytogenetic location: Xq21.2.
Variant type: single nucleotide variant.
Coding change: c.569C>G on transcript NM_000390.4 (MANE Select); coding-DNA position 569, C replaced by G.
Protein change: p.Ser190Ter; replaces serine 190 with a stop codon.
Molecular consequence: nonsense.
Genome position (GRCh38, 1-based): chrX:85,963,798, G>C on the plus strand (C>G on the coding strand, the complement: CHM is on the minus strand). VCF-style: chrX-85963798-G-C. GRCh37 (hg19) VCF-style: chrX-85218803-G-C.
Other names: c.125C>G, p.Ser42Ter (NM_001320959.1, NM_001362517.1, NM_001362518.2 and 1 more transcripts); short protein forms S190*, S42*.
Identifiers: ClinVar variation 1075259 (VCV001075259.10), dbSNP rs1360735193, ClinGen allele CA413786726.